The following is an entry in ClinVar:

NM_017849.4(TMEM127):c.473A>G (p.Gln158Arg)

Gene: TMEM127 (transmembrane protein 127; minus strand). Cytogenetic location: 2q11.2.
Variant type: single nucleotide variant.
Coding change: c.473A>G on transcript NM_017849.4 (MANE Select); coding-DNA position 473, A replaced by G.
Protein change: p.Gln158Arg; replaces glutamine 158 with arginine.
Molecular consequence: missense variant.
Genome position (GRCh38, 1-based): chr2:96,254,052, T>C on the plus strand (A>G on the coding strand, the complement: TMEM127 is on the minus strand). VCF-style: chr2-96254052-T-C. GRCh37 (hg19) VCF-style: chr2-96919790-T-C.
Other names: c.473A>G, p.Gln158Arg (NM_001193304.3); short protein forms Q158R.
Identifiers: ClinVar variation 657670 (VCV000657670.9), dbSNP rs1231103743, ClinGen allele CA347652875.

ClinVar aggregate classification (germline): Uncertain significance. Review status: criteria provided, multiple submitters, no conflicts (2 of 4 stars). 2 submissions from 2 submitters: Uncertain significance (2). Last evaluated 2025-01-06.

Conditions:
Hereditary cancer-predisposing syndrome. Also called: Tumor predisposition; Hereditary Cancer Syndrome; Hereditary neoplastic syndrome; Neoplastic Syndromes, Hereditary. Identifiers: Orphanet 140162, MedGen C0027672, MeSH D009386, MONDO:0015356.
Hereditary pheochromocytoma and paraganglioma. Also called: Hereditary paragangliomas and pheochromocytomas; Hereditary pheochromocytoma-paraganglioma; Hereditary Paraganglioma-Pheochromocytoma Syndromes. Identifiers: Orphanet 29072, MedGen C4274332, MONDO:0017366.

Allele frequency attached by ClinVar (database versions not stated): gnomAD exomes below 0.00001.

Submissions (2):

Ambry Genetics
Classification: Uncertain significance for Hereditary cancer-predisposing syndrome. Last evaluated: 2025-01-06. Review status: criteria provided, single submitter. Criteria: Ambry Variant Classification Scheme 2023. Collection method: clinical testing. Allele origin: germline.
Comment: The p.Q158R variant (also known as c.473A>G), located in coding exon 3 of the TMEM127 gene, results from an A to G substitution at nucleotide position 473. The glutamine at codon 158 is replaced by arginine, an amino acid with highly similar properties. This amino acid position is conserved. In addition, this alteration is predicted to be deleterious by in silico analysis. Based on the available evidence, the clinical significance of this variant remains unclear.

Labcorp Genetics (formerly Invitae), Labcorp
Classification: Uncertain significance for Hereditary pheochromocytoma and paraganglioma. Last evaluated: 2018-12-19. Review status: criteria provided, single submitter. Criteria: Invitae Variant Classification Sherloc (09022015). Collection method: clinical testing. Allele origin: germline.
Comment: In summary, the available evidence is currently insufficient to determine the role of this variant in disease. Therefore, it has been classified as a Variant of Uncertain Significance. Algorithms developed to predict the effect of missense changes on protein structure and function (SIFT, PolyPhen-2, Align-GVGD) all suggest that this variant is likely to be disruptive, but these predictions have not been confirmed by published functional studies and their clinical significance is uncertain. This variant has not been reported in the literature in individuals with TMEM127-related conditions. This variant is not present in population databases (ExAC no frequency). This sequence change replaces glutamine with arginine at codon 158 of the TMEM127 protein (p.Gln158Arg). The glutamine residue is highly conserved and there is a small physicochemical difference between glutamine and arginine.